The following is an entry in ClinVar:

NM_001254.4(CDC6):c.790A>G (p.Met264Val)

Gene: CDC6 (cell division cycle 6; plus strand). Cytogenetic location: 17q21.2.
Variant type: single nucleotide variant.
Coding change: c.790A>G on transcript NM_001254.4 (MANE Select); coding-DNA position 790, A replaced by G.
Protein change: p.Met264Val; replaces methionine 264 with valine.
Molecular consequence: missense variant.
Genome position (GRCh38, 1-based): chr17:40,293,585, A>G. VCF-style: chr17-40293585-A-G. GRCh37 (hg19) VCF-style: chr17-38449837-A-G.
Other names: short protein forms M264V.
Identifiers: ClinVar variation 128637 (VCV000128637.15), dbSNP rs587780298, ClinGen allele CA230974.

ClinVar aggregate classification (germline): Uncertain significance. Review status: criteria provided, multiple submitters, no conflicts (2 of 4 stars). 3 submissions from 3 submitters: Uncertain significance (3). Last evaluated 2025-12-26.

Allele frequency attached by ClinVar (database versions not stated): gnomAD exomes 0.00001; gnomAD 0.00005 and 0.00006; TOPMed 0.00012.
gnomAD v4.1: 17 of 1,613,804 alleles (0.0011%); highest among the groups gnomAD compares: Admixed American, 0.022%; no homozygotes.

Submissions (3):

Labcorp Genetics (formerly Invitae), Labcorp
Classification: Uncertain significance. Last evaluated: 2025-12-26. Review status: criteria provided, single submitter. Criteria: Invitae Variant Classification Sherloc (09022015). Collection method: clinical testing. Allele origin: germline.
Comment: This sequence change replaces methionine, which is neutral and non-polar, with valine, which is neutral and non-polar, at codon 264 of the CDC6 protein (p.Met264Val). This variant is not present in population databases (gnomAD no frequency). This variant has not been reported in the literature in individuals affected with CDC6-related conditions. ClinVar contains an entry for this variant (Variation ID: 128637). An algorithm developed to predict the effect of missense changes on protein structure and function outputs the following: PolyPhen-2: "Benign". The valine amino acid residue is found in multiple mammalian species, which suggests that this missense change does not adversely affect protein function. In summary, the available evidence is currently insufficient to determine the role of this variant in disease. Therefore, it has been classified as a Variant of Uncertain Significance.

Ambry Genetics
Classification: Uncertain significance. Last evaluated: 2023-12-31. Review status: criteria provided, single submitter. Criteria: Ambry Variant Classification Scheme 2023. Collection method: clinical testing. Allele origin: germline.

Genetic Services Laboratory, University of Chicago
Classification: Uncertain significance. Last evaluated: 2014-03-03. Review status: criteria provided, single submitter. Criteria: ACMG Guidelines, 2007. Collection method: clinical testing. Allele origin: germline. Inheritance: Autosomal recessive inheritance.